The following is an entry in ClinVar:

ClinVar aggregate classification (germline): Conflicting classifications of pathogenicity. Review status: criteria provided, conflicting classifications (1 of 4 stars). 3 submissions from 3 submitters: Uncertain significance (1); Likely benign (2). Last evaluated 2025-07-02.

Conditions:
Inborn genetic diseases. Identifiers: MedGen C0950123, MeSH D030342.

Allele frequency attached by ClinVar (database versions not stated): gnomAD 0.00005 and 0.00006; TOPMed 0.00005; gnomAD exomes 0.00008; ExAC 0.00009.
gnomAD v4.1: 68 of 1,613,662 alleles (0.0042%); highest among the groups gnomAD compares: South Asian, 0.0066%; no homozygotes.

Submissions (3):

Ambry Genetics
Classification: Likely benign for Inborn genetic diseases. Last evaluated: 2025-07-02. Review status: criteria provided, single submitter. Criteria: Ambry Variant Classification Scheme 2023. Collection method: clinical testing. Allele origin: germline.

Labcorp Genetics (formerly Invitae), Labcorp
Classification: Uncertain significance. Last evaluated: 2021-08-15. Review status: criteria provided, single submitter. Criteria: Invitae Variant Classification Sherloc (09022015). Collection method: clinical testing. Allele origin: germline.
Comment: This sequence change replaces threonine with methionine at codon 1495 of the MYO15A protein (p.Thr1495Met). The threonine residue is highly conserved and there is a moderate physicochemical difference between threonine and methionine. This variant is present in population databases (rs760534158, ExAC 0.01%). This variant has not been reported in the literature in individuals affected with MYO15A-related conditions. ClinVar contains an entry for this variant (Variation ID: 227642). Algorithms developed to predict the effect of missense changes on protein structure and function output the following: SIFT: "Tolerated"; PolyPhen-2: "Not Available"; Align-GVGD: "Class C0". The methionine amino acid residue is found in multiple mammalian species, which suggests that this missense change does not adversely affect protein function. In summary, the available evidence is currently insufficient to determine the role of this variant in disease. Therefore, it has been classified as a Variant of Uncertain Significance.

Laboratory for Molecular Medicine, Mass General Brigham Personalized Medicine
Classification: Likely benign. Last evaluated: 2015-07-17. Review status: criteria provided, single submitter. Criteria: LMM Criteria. Collection method: clinical testing. Allele origin: germline. Observed: 1 variant allele.
Comment: p.Thr1495Met in exon 13 of MYO15A: This variant is not expected to have clinical significance because the threonine (Thr) residue at position 1495 is not conser ved through species, with 4 mammals (rhesus, crab-eating macaque, baboon, green monkey) having a methionine (Met) at this position. It has been identified in 9/ 65500 European chromosomes by the Exome Aggregation Consortium (ExAC; dbSNP rs760534158).

NM_016239.4(MYO15A):c.4484C>T (p.Thr1495Met)

Gene: MYO15A (myosin XVA; plus strand). Cytogenetic location: 17p11.2.
Variant type: single nucleotide variant.
Coding change: c.4484C>T on transcript NM_016239.4 (MANE Select); coding-DNA position 4484, C replaced by T.
Protein change: p.Thr1495Met; replaces threonine 1495 with methionine.
Molecular consequence: missense variant.
Genome position (GRCh38, 1-based): chr17:18,135,712, C>T. VCF-style: chr17-18135712-C-T. GRCh37 (hg19) VCF-style: chr17-18039026-C-T.
Other names: short protein forms T1495M.
Identifiers: ClinVar variation 227642 (VCV000227642.8), dbSNP rs760534158, ClinGen allele CA8423913.